The following is an entry in ClinVar:

ClinVar aggregate classification (germline): Conflicting classifications of pathogenicity. Review status: criteria provided, conflicting classifications (1 of 4 stars). 8 submissions from 8 submitters: Uncertain significance (1); Benign (1); Likely benign (5). 1 of the submissions does not count toward it. Last evaluated 2026-10-01.

Conditions:
PRRT2-Related Disorder. Also called: PRRT2-related disorders. Identifiers: MedGen CN381059.
Inborn genetic diseases. Identifiers: MedGen C0950123, MeSH D030342.
Episodic kinesigenic dyskinesia (EKD). Also called: Paroxysmal kinesigenic dyskinesia. Identifiers: Orphanet 98809, MedGen C1868682, MONDO:0044202.

Allele frequency attached by ClinVar (database versions not stated): gnomAD exomes 0.00008 and 0.00031; ExAC 0.00033; 1000 Genomes Project 30x 0.00078; 1000 Genomes Project 0.00100; gnomAD 0.00112 and 0.00118; ESP Exome Variant Server 0.00115; TOPMed 0.00140.

Submissions (8):

CeGaT Center for Human Genetics Tuebingen
Classification: Likely benign. Last evaluated: 2026-10-01. Review status: criteria provided, single submitter. Criteria: CeGaT Center For Human Genetics Tuebingen Variant Classification Criteria Version 2. Collection method: clinical testing. Allele origin: germline. Affected: yes. Observed: 2 variant alleles.
Comment: PRRT2: BP4, BS1

Labcorp Genetics (formerly Invitae), Labcorp
Classification: Likely benign for Episodic kinesigenic dyskinesia. Last evaluated: 2026-02-02. Review status: criteria provided, single submitter. Criteria: Invitae Variant Classification Sherloc (09022015). Collection method: clinical testing. Allele origin: germline.

GeneDx
Classification: Benign. Last evaluated: 2020-11-27. Review status: criteria provided, single submitter. Criteria: GeneDx Variant Classification Process June 2021. Collection method: clinical testing. Allele origin: germline. Affected: yes.
Comment: This variant is associated with the following publications: (PMID: 24594579)

Ambry Genetics
Classification: Uncertain significance for Inborn genetic diseases. Last evaluated: 2018-07-13. Review status: criteria provided, single submitter. Criteria: Ambry Variant Classification Scheme 2023. Collection method: clinical testing. Allele origin: germline.
Comment: The p.P45S variant (also known as c.133C>T), located in coding exon 1 of the PRRT2 gene, results from a C to T substitution at nucleotide position 133. The proline at codon 45 is replaced by serine, an amino acid with similar properties. This amino acid position is well conserved in available vertebrate species. In addition, this alteration is predicted to be tolerated by in silico analysis. Since supporting evidence is limited at this time, the clinical significance of this alteration remains unclear.

Center for Pediatric Genomic Medicine, Children's Mercy Hospital and Clinics
Classification: Likely benign. Last evaluated: 2017-08-15. Review status: criteria provided, single submitter. Criteria: ACMG Guidelines, 2015. Collection method: clinical testing. Allele origin: germline.

Eurofins Ntd Llc (ga)
Classification: Likely benign. Last evaluated: 2016-08-11. Review status: criteria provided, single submitter. Criteria: EGL Classification Definitions 2015. Collection method: clinical testing. Allele origin: germline. Observed: 2 variant alleles, 2 heterozygotes.

Breakthrough Genomics
Classification: Likely benign. Review status: criteria provided, single submitter. Criteria: ACMG Guidelines, 2015. Collection method: not provided. Allele origin: germline. Inheritance: Autosomal dominant inheritance. Affected: yes.

PreventionGenetics, part of Exact Sciences
Classification: Likely benign for PRRT2-related condition. Last evaluated: 2019-07-23. Review status: no assertion criteria provided. Collection method: clinical testing. Allele origin: germline. Not counted in ClinVar's aggregate classification.
Comment: This variant is classified as likely benign based on ACMG/AMP sequence variant interpretation guidelines (Richards et al. 2015 PMID: 25741868, with internal and published modifications).

NM_145239.3(PRRT2):c.133C>T (p.Pro45Ser)

Genes: PRRT2 (proline rich transmembrane protein 2; plus strand), MVP-DT (MVP divergent transcript; minus strand). Cytogenetic location: 16p11.2.
Variant type: single nucleotide variant.
Coding change: c.133C>T on transcript NM_145239.3 (MANE Select); coding-DNA position 133, C replaced by T.
Protein change: p.Pro45Ser; replaces proline 45 with serine.
Molecular consequence: missense variant.
Genome position (GRCh38, 1-based): chr16:29,813,187, C>T. VCF-style: chr16-29813187-C-T. GRCh37 (hg19) VCF-style: chr16-29824508-C-T.
Other names: p.P45S:CCA>TCA; c.133C>T, p.Pro45Ser (NM_001256442.2, NM_001256443.2); c.133C>T (NM_001256442.1); short protein forms P45S.
Identifiers: ClinVar variation 206678 (VCV000206678.23), dbSNP rs11556732, ClinGen allele CA317009.